The following is an entry in ClinVar:

NM_005912.3(MC4R):c.631_634del (p.Leu211fs)

Gene: MC4R (melanocortin 4 receptor; minus strand). Cytogenetic location: 18q21.32.
Variant type: Microsatellite.
Coding change: c.631_634del on transcript NM_005912.3 (MANE Select); coding-DNA positions 631 to 634, 4 bases deleted (CTCT; older notation c.631_634delCTCT).
Protein change: p.Leu211fs; shifts the reading frame from leucine 211.
Molecular consequence: frameshift variant.
Genome position (GRCh38, 1-based): chr18:60,371,716-60,371,719, AGAG deleted on the plus strand (CTCT on the coding strand, the reverse complement: MC4R is on the minus strand); deleting any 4 consecutive bases within chr18:60,371,716-60,371,722 gives the same sequence; the c. name uses the placement nearest the transcript's 3' end. VCF-style (leftmost placement, unchanged base first): chr18-60371715-TAGAG-T. GRCh37 (hg19) VCF-style: chr18-58038948-TAGAG-T.
Other names: c.631_634delCTCT (NM_005912.2); c.631_634del (NM_005912.2); short protein forms L211fs.
Identifiers: ClinVar variation 14316 (VCV000014316.9), dbSNP rs13447338, ClinGen allele CA301530027.

ClinVar aggregate classification (germline): Pathogenic. Review status: criteria provided, multiple submitters, no conflicts (2 of 4 stars). 4 submissions from 4 submitters: Pathogenic (3). 1 of the submissions does not count toward it. Last evaluated 2026-08-14.

Conditions:
MC4R-related disorder. Also called: MC4R-related condition.
BODY MASS INDEX QUANTITATIVE TRAIT LOCUS 20 (BMIQ20). Also called: MELANOCORTIN 4 RECEPTOR DEFICIENCY; MC4R DEFICIENCY. Identifiers: MedGen C4759928, OMIM 618406.

Submissions (4):

GeneDx
Classification: Pathogenic. Last evaluated: 2026-08-14. Review status: criteria provided, single submitter. Criteria: GeneDx Variant Classification Process June 2021. Collection method: clinical testing. Allele origin: germline.
Comment: Identified in multiple unrelated patients with early onset obesity referred for genetic testing at GeneDx and in published literature, and also present in affected relatives (PMID: 9771698, 17941900); Published functional studies demonstrate a damaging effect due to abnormal receptor function (PMID: 12588803, 10585465); Frameshift variant predicted to result in abnormal protein length as the last 122 amino acids are replaced with 5 different amino acids, and other similar variants have been reported in HGMD; This variant is associated with the following publications: (PMID: 10585465, 12970296, 12646665, 16752916, 33362866, 17941900, 37025415, 37601970, 38528040, 35574020, 12588803, 9771698, 39552559)

PreventionGenetics, part of Exact Sciences
Classification: Pathogenic for MC4R-related condition. Last evaluated: 2026-06-22. Review status: criteria provided, single submitter. Criteria: ACMG Guidelines, 2015. Collection method: clinical testing. Allele origin: germline.
Comment: The MC4R c.631_634delCTCT variant is predicted to result in a frameshift and premature protein termination (p.Leu211Metfs*6). This variant has been reported to be pathogenic for autosomal dominant obesity (see for example: Yeo et al. 1998. PubMed ID: 9771698; Hinney et al. 2003. PubMed ID: 12970296; Table S1, Šket et al. 2022. PubMed ID: 35574020). This variant is reported in 0.0040% of alleles in individuals of European (Finnish) descent in gnomAD. Frameshift variants in MC4R are expected to be pathogenic. This variant is interpreted as pathogenic.

Blueprint Genetics
Classification: Pathogenic for MC4R-related disorders. Last evaluated: 2024-03-06. Review status: criteria provided, single submitter. Criteria: ACMG Guidelines, 2015. Collection method: clinical testing. Allele origin: germline. Affected: yes. Observed: 2 variant alleles.

OMIM
Classification: Pathogenic for OBESITY (BMIQ20). Last evaluated: 1999-04-01. Review status: no assertion criteria provided. Collection method: literature only. Allele origin: germline. Not counted in ClinVar's aggregate classification.

Literature cited by the submitters: PubMed 9771698 (cited by OMIM); PubMed 10199800 (cited by OMIM).